The following is an entry in ClinVar:

NM_001252024.2(TRPM1):c.73G>T (p.Asp25Tyr)

Gene: TRPM1 (transient receptor potential cation channel subfamily M member 1; minus strand). Cytogenetic location: 15q13.3.
Variant type: single nucleotide variant.
Coding change: c.73G>T on transcript NM_001252024.2 (MANE Select); coding-DNA position 73, G replaced by T.
Protein change: p.Asp25Tyr; replaces aspartic acid 25 with tyrosine.
Molecular consequence: missense variant.
Genome position (GRCh38, 1-based): chr15:31,076,915, C>A on the plus strand (G>T on the coding strand, the complement: TRPM1 is on the minus strand). VCF-style: chr15-31076915-C-A. GRCh37 (hg19) VCF-style: chr15-31369118-C-A.
Other names: c.124G>T, p.Asp42Tyr (NM_001252020.2); c.7G>T, p.Asp3Tyr (NM_001252030.2, NM_002420.6); short protein forms D25Y, D42Y, D3Y.
Identifiers: ClinVar variation 1354064 (VCV001354064.9), dbSNP rs189343111, ClinGen allele CA7453126.

ClinVar aggregate classification (germline): Uncertain significance. Review status: criteria provided, multiple submitters, no conflicts (2 of 4 stars). 2 submissions from 2 submitters: Uncertain significance (2). Last evaluated 2024-09-12.

Allele frequency attached by ClinVar (database versions not stated): gnomAD 0.00001 and 0.00003; gnomAD exomes 0.00002; TOPMed 0.00002; 1000 Genomes Project 30x 0.00031; 1000 Genomes Project 0.00040.
gnomAD v4.1: 8 of 1,606,750 alleles (0.0005%); highest among the groups gnomAD compares: East Asian, 0.018%; no homozygotes.

Submissions (2):

Blueprint Genetics
Classification: Uncertain significance. Last evaluated: 2024-09-12. Review status: criteria provided, single submitter. Criteria: ACMG Guidelines, 2015. Collection method: clinical testing. Allele origin: germline.

Labcorp Genetics (formerly Invitae), Labcorp
Classification: Uncertain significance. Last evaluated: 2022-09-06. Review status: criteria provided, single submitter. Criteria: Invitae Variant Classification Sherloc (09022015). Collection method: clinical testing. Allele origin: germline.
Comment: This variant is present in population databases (rs189343111, gnomAD 0.04%). In summary, the available evidence is currently insufficient to determine the role of this variant in disease. Therefore, it has been classified as a Variant of Uncertain Significance. Algorithms developed to predict the effect of sequence changes on RNA splicing suggest that this variant may disrupt the consensus splice site. Algorithms developed to predict the effect of missense changes on protein structure and function are either unavailable or do not agree on the potential impact of this missense change (SIFT: "Deleterious"; PolyPhen-2: "Probably Damaging"; Align-GVGD: "Class C0"). ClinVar contains an entry for this variant (Variation ID: 1354064). This variant has not been reported in the literature in individuals affected with TRPM1-related conditions. This sequence change replaces aspartic acid, which is acidic and polar, with tyrosine, which is neutral and polar, at codon 3 of the TRPM1 protein (p.Asp3Tyr).